The following is an entry in ClinVar:

ClinVar aggregate classification (germline): Likely benign. Review status: criteria provided, multiple submitters, no conflicts (2 of 4 stars). 3 submissions from 3 submitters: Likely benign (3). Last evaluated 2025-12-05.

Conditions:
NTRK2-related disorder. Also called: NTRK2-related condition.

Allele frequency attached by ClinVar (database versions not stated): ESP Exome Variant Server 0.00008.
gnomAD v4.1: 56 of 1,613,988 alleles (0.0035%); highest among the groups gnomAD compares: African/African-American, 0.0053%; no homozygotes.

Submissions (3):

Labcorp Genetics (formerly Invitae), Labcorp
Classification: Likely benign. Last evaluated: 2025-12-05. Review status: criteria provided, single submitter. Criteria: Invitae Variant Classification Sherloc (09022015). Collection method: clinical testing. Allele origin: germline.

PreventionGenetics, part of Exact Sciences
Classification: Likely benign for NTRK2-related condition. Last evaluated: 2025-03-29. Review status: criteria provided, single submitter. Criteria: ACMG Guidelines, 2015. Collection method: clinical testing. Allele origin: germline.
Comment: This variant is classified as likely benign based on ACMG/AMP sequence variant interpretation guidelines (Richards et al. 2015 PMID: 25741868, with internal and published modifications).

Blueprint Genetics
Classification: Likely benign. Last evaluated: 2024-10-01. Review status: criteria provided, single submitter. Criteria: ACMG Guidelines, 2015. Collection method: clinical testing. Allele origin: germline.

NM_006180.6(NTRK2):c.2493G>A (p.Pro831=)

Gene: NTRK2 (neurotrophic receptor tyrosine kinase 2; plus strand). Cytogenetic location: 9q21.33.
Variant type: single nucleotide variant.
Coding change: c.2493G>A on transcript NM_006180.6 (MANE Select); coding-DNA position 2493, G replaced by A.
Protein change: p.Pro831=; no amino-acid change (proline 831 retained).
Molecular consequence: synonymous variant.
Genome position (GRCh38, 1-based): chr9:85,021,413, G>A. VCF-style: chr9-85021413-G-A. GRCh37 (hg19) VCF-style: chr9-87636328-G-A.
Other names: c.2445G>A, p.Pro815= (NM_001018064.3, NM_001369532.1, NM_001369533.1); c.2409G>A, p.Pro803= (NM_001369534.1); c.1977G>A, p.Pro659= (NM_001369535.1); c.2025G>A, p.Pro675= (NM_001369536.1); c.2493G>A (NM_006180.4).
Identifiers: ClinVar variation 1656134 (VCV001656134.10), dbSNP rs75066745, ClinGen allele CA5106003.